The following is an entry in ClinVar:

NM_001371596.2(MFSD8):c.931A>G (p.Ile311Val)

Gene: MFSD8 (major facilitator superfamily domain containing 8; minus strand). Cytogenetic location: 4q28.2.
Variant type: single nucleotide variant.
Coding change: c.931A>G on transcript NM_001371596.2 (MANE Select); coding-DNA position 931, A replaced by G.
Protein change: p.Ile311Val; replaces isoleucine 311 with valine.
Molecular consequence: missense variant.
Genome position (GRCh38, 1-based): chr4:127,930,750, T>C on the plus strand (A>G on the coding strand, the complement: MFSD8 is on the minus strand). VCF-style: chr4-127930750-T-C. GRCh37 (hg19) VCF-style: chr4-128851905-T-C.
Other names: c.730A>G, p.Ile244Val (NM_001363520.3); c.616A>G, p.Ile206Val (NM_001363521.3); c.796A>G, p.Ile266Val (NM_001371590.2); c.931A>G, p.Ile311Val (NM_001371591.2, NM_152778.4); c.937A>G, p.Ile313Val (NM_001371592.2); c.817A>G, p.Ile273Val (NM_001371593.2, NM_001410766.1); c.784A>G, p.Ile262Val (NM_001371594.2); c.649A>G, p.Ile217Val (NM_001371595.1); and 1 more; short protein forms I217V, I262V, I244V, I266V, I273V, I313V, I206V, I311V.
Identifiers: ClinVar variation 846330 (VCV000846330.7), dbSNP rs753930474, ClinGen allele CA3077336.
Genomic context (GRCh38, chr4:127,930,750, plus strand): 5'-AAAGCAACTTAACTCCTAAGAAAATAACAACGGCTTCAACCCCAAGAGCAGCAAGTATTA[T>C]GCCATTATATAACACAGCTTGTTCTTGAGTCCAGGCATACATATCCATTGTTAATGGAGT-3'
Protein context (NP_001358525.1, residues 301-321): TQEQAVLYNG[Ile311Val]ILAALGVEAV

ClinVar aggregate classification (germline): Conflicting classifications of pathogenicity. Review status: criteria provided, conflicting classifications (1 of 4 stars). 3 submissions from 3 submitters: Uncertain significance (1); Likely benign (1). 1 of the submissions does not count toward it. Last evaluated 2025-02-20.

Conditions:
Inborn genetic diseases. Identifiers: MedGen C0950123, MeSH D030342.
Late-infantile neuronal ceroid lipofuscinosis. Also called: Jansky-Bielschowsky disease. Identifiers: MedGen C0022340, MONDO:0015674.
Neuronal ceroid lipofuscinosis 7 (CLN7). Also called: MFSD8-Related Neuronal Ceroid-Lipofuscinosis. Identifiers: Orphanet 168491, Orphanet 228366, MedGen C1838571, MONDO:0012588, OMIM 610951.

Allele frequency attached by ClinVar (database versions not stated): gnomAD 0.00001; gnomAD exomes 0.00001 and 0.00002; ExAC 0.00002; TOPMed 0.00003.
gnomAD v4.1: 24 of 1,613,558 alleles (0.0015%); highest among the groups gnomAD compares: Non-Finnish European, 0.0019%; no homozygotes.

Submissions (3):

Ambry Genetics
Classification: Likely benign for Inborn genetic diseases. Last evaluated: 2025-02-20. Review status: criteria provided, single submitter. Criteria: Ambry Variant Classification Scheme 2023. Collection method: clinical testing. Allele origin: germline.

Labcorp Genetics (formerly Invitae), Labcorp
Classification: Uncertain significance for Neuronal ceroid lipofuscinosis 7. Last evaluated: 2022-05-27. Review status: criteria provided, single submitter. Criteria: Invitae Variant Classification Sherloc (09022015). Collection method: clinical testing. Allele origin: germline.
Comment: This sequence change replaces isoleucine, which is neutral and non-polar, with valine, which is neutral and non-polar, at codon 311 of the MFSD8 protein (p.Ile311Val). This variant is present in population databases (rs753930474, gnomAD 0.004%). This variant has not been reported in the literature in individuals affected with MFSD8-related conditions. ClinVar contains an entry for this variant (Variation ID: 846330). Algorithms developed to predict the effect of missense changes on protein structure and function output the following: SIFT: "Tolerated"; PolyPhen-2: "Benign"; Align-GVGD: "Class C0". The valine amino acid residue is found in multiple mammalian species, which suggests that this missense change does not adversely affect protein function. In summary, the available evidence is currently insufficient to determine the role of this variant in disease. Therefore, it has been classified as a Variant of Uncertain Significance.

Natera, Inc.
Classification: Uncertain significance for Late-infantile neuronal ceroid lipofuscinosis. Last evaluated: 2020-12-14. Review status: no assertion criteria provided. Collection method: clinical testing. Allele origin: germline. Not counted in ClinVar's aggregate classification.